The following is an entry in ClinVar:

ClinVar aggregate classification (germline): Uncertain significance (1 of 4 stars; one submission).

Conditions:
Inherited glutathione synthetase deficiency. Identifiers: Orphanet 32, MedGen C5979912, MONDO:0017909.

Allele frequency attached by ClinVar (database versions not stated): TOPMed below 0.00001; gnomAD 0.00001; gnomAD exomes 0.00001.
gnomAD v4.1: 15 of 1,608,794 alleles (0.00093%); highest among the groups gnomAD compares: Middle Eastern, 0.016%; no homozygotes.

Submission:

Labcorp Genetics (formerly Invitae), Labcorp
Classification: Uncertain significance for Glutathione synthetase deficiency with 5-oxoprolinuria. Last evaluated: 2022-09-16. Review status: criteria provided, single submitter. Criteria: Invitae Variant Classification Sherloc (09022015). Collection method: clinical testing. Allele origin: germline.
Comment: This sequence change replaces threonine, which is neutral and polar, with asparagine, which is neutral and polar, at codon 40 of the GSS protein (p.Thr40Asn). This variant is present in population databases (no rsID available, gnomAD 0.007%). This variant has not been reported in the literature in individuals affected with GSS-related conditions. Advanced modeling of protein sequence and biophysical properties (such as structural, functional, and spatial information, amino acid conservation, physicochemical variation, residue mobility, and thermodynamic stability) performed at Invitae indicates that this missense variant is not expected to disrupt GSS protein function. In summary, the available evidence is currently insufficient to determine the role of this variant in disease. Therefore, it has been classified as a Variant of Uncertain Significance.

NM_000178.4(GSS):c.119C>A (p.Thr40Asn)

Gene: GSS (glutathione synthetase; minus strand). Cytogenetic location: 20q11.22.
Variant type: single nucleotide variant.
Coding change: c.119C>A on transcript NM_000178.4 (MANE Select); coding-DNA position 119, C replaced by A.
Protein change: p.Thr40Asn; replaces threonine 40 with asparagine.
Molecular consequence: missense variant.
Genome position (GRCh38, 1-based): chr20:34,951,734, G>T on the plus strand (C>A on the coding strand, the complement: GSS is on the minus strand). VCF-style: chr20-34951734-G-T. GRCh37 (hg19) VCF-style: chr20-33539537-G-T.
Other names: c.119C>A, p.Thr40Asn (NM_001322494.1, NM_001322495.1); short protein forms T40N.
Identifiers: ClinVar variation 2166763 (VCV002166763.1), dbSNP rs1439984904, ClinGen allele CA408706321.